The following is an entry in ClinVar:

ClinVar aggregate classification (germline): Uncertain significance (1 of 4 stars; one submission).

Conditions:
Duchenne muscular dystrophy (DMD). Also called: MUSCULAR DYSTROPHY, PSEUDOHYPERTROPHIC PROGRESSIVE, DUCHENNE TYPE; Duchenne Muscular Dystrophy (DMD). Identifiers: Orphanet 98896, MedGen C0013264, MONDO:0010679, OMIM 310200.

gnomAD v4.1: 2 of 1,205,529 alleles (0.00017%); highest among the groups gnomAD compares: South Asian, 0.0035%; no homozygotes.

Submission:

Labcorp Genetics (formerly Invitae), Labcorp
Classification: Uncertain significance for Duchenne muscular dystrophy. Last evaluated: 2025-04-14. Review status: criteria provided, single submitter. Criteria: Invitae Variant Classification Sherloc (09022015). Collection method: clinical testing. Allele origin: germline.
Comment: This sequence change replaces alanine, which is neutral and non-polar, with valine, which is neutral and non-polar, at codon 1147 of the DMD protein (p.Ala1147Val). This variant is not present in population databases (gnomAD no frequency). This variant has not been reported in the literature in individuals affected with DMD-related conditions. Invitae Evidence Modeling of protein sequence and biophysical properties (such as structural, functional, and spatial information, amino acid conservation, physicochemical variation, residue mobility, and thermodynamic stability) indicates that this missense variant is not expected to disrupt DMD protein function with a negative predictive value of 95%. In summary, the available evidence is currently insufficient to determine the role of this variant in disease. Therefore, it has been classified as a Variant of Uncertain Significance.

NM_004006.3(DMD):c.3440C>T (p.Ala1147Val)

Gene: DMD (dystrophin; minus strand). Cytogenetic location: Xp21.1.
Variant type: single nucleotide variant.
Coding change: c.3440C>T on transcript NM_004006.3 (MANE Select); coding-DNA position 3440, C replaced by T.
Protein change: p.Ala1147Val; replaces alanine 1147 with valine.
Molecular consequence: missense variant.
Genome position (GRCh38, 1-based): chrX:32,454,825, G>A on the plus strand (C>T on the coding strand, the complement: DMD is on the minus strand). VCF-style: chrX-32454825-G-A. GRCh37 (hg19) VCF-style: chrX-32472942-G-A.
Other names: c.3416C>T, p.Ala1139Val (NM_000109.4); c.3428C>T, p.Ala1143Val (NM_004009.3); c.3071C>T, p.Ala1024Val (NM_004010.3); short protein forms A1139V, A1143V, A1024V, A1147V.
Identifiers: ClinVar variation 4751203 (VCV004751203.1).